The following is an entry in ClinVar:

ClinVar aggregate classification (germline): Uncertain significance. Review status: criteria provided, multiple submitters, no conflicts (2 of 4 stars). 3 submissions from 3 submitters: Uncertain significance (3). Last evaluated 2023-10-16.

Conditions:
Hereditary cancer-predisposing syndrome. Also called: Neoplastic Syndromes, Hereditary; Hereditary Cancer Syndrome; Hereditary neoplastic syndrome; Tumor predisposition. Identifiers: Orphanet 140162, MedGen C0027672, MeSH D009386, MONDO:0015356.
Neurofibromatosis, type 2 (SWNV). Also called: BILATERAL ACOUSTIC NEUROFIBROMATOSIS; NF2-Related Schwannomatosis; SCHWANNOMATOSIS, VESTIBULAR. Identifiers: Orphanet 637, MedGen C0027832, MONDO:0007039, OMIM 101000. Disease mechanism: loss of function.

Allele frequency attached by ClinVar (database versions not stated): gnomAD exomes below 0.00001; ExAC 0.00001.
gnomAD v4.1: 2 of 1,614,148 alleles (0.00012%); highest among the groups gnomAD compares: South Asian, 0.0022%; no homozygotes.

Submissions (3):

GeneDx
Classification: Uncertain significance. Last evaluated: 2023-10-16. Review status: criteria provided, single submitter. Criteria: GeneDx Variant Classification Process June 2021. Collection method: clinical testing. Allele origin: germline. Affected: yes.
Comment: In silico analysis supports that this missense variant does not alter protein structure/function; Has not been previously published as pathogenic or benign to our knowledge; This variant is associated with the following publications: (PMID: 11756419)

Ambry Genetics
Classification: Uncertain significance for Hereditary cancer-predisposing syndrome. Last evaluated: 2023-04-08. Review status: criteria provided, single submitter. Criteria: Ambry Variant Classification Scheme 2023. Collection method: clinical testing. Allele origin: germline.
Comment: The p.T544A variant (also known as c.1630A>G), located in coding exon 15 of the NF2 gene, results from an A to G substitution at nucleotide position 1630. The threonine at codon 544 is replaced by alanine, an amino acid with similar properties. This amino acid position is conserved. In addition, the in silico prediction for this alteration is inconclusive. Since supporting evidence is limited at this time, the clinical significance of this alteration remains unclear.

Labcorp Genetics (formerly Invitae), Labcorp
Classification: Uncertain significance for Neurofibromatosis, type 2. Last evaluated: 2020-09-02. Review status: criteria provided, single submitter. Criteria: Invitae Variant Classification Sherloc (09022015). Collection method: clinical testing. Allele origin: germline.
Comment: This sequence change replaces threonine with alanine at codon 544 of the NF2 protein (p.Thr544Ala). The threonine residue is moderately conserved and there is a small physicochemical difference between threonine and alanine. This variant is present in population databases (rs762953921, ExAC 0.006%). This variant has not been reported in the literature in individuals with NF2-related conditions. Algorithms developed to predict the effect of missense changes on protein structure and function are either unavailable or do not agree on the potential impact of this missense change (SIFT: "Tolerated"; PolyPhen-2: "Possibly Damaging"; Align-GVGD: "Class C0"). In summary, the available evidence is currently insufficient to determine the role of this variant in disease. Therefore, it has been classified as a Variant of Uncertain Significance.

NM_000268.4(NF2):c.1630A>G (p.Thr544Ala)

Gene: NF2 (NF2, moesin-ezrin-radixin like (MERLIN) tumor suppressor; plus strand). Cytogenetic location: 22q12.2.
Variant type: single nucleotide variant.
Coding change: c.1630A>G on transcript NM_000268.4 (MANE Select); coding-DNA position 1630, A replaced by G.
Protein change: p.Thr544Ala; replaces threonine 544 with alanine.
Molecular consequence: missense variant. On other transcripts: non-coding transcript variant (1), intron variant (1).
Genome position (GRCh38, 1-based): chr22:29,681,494, A>G. VCF-style: chr22-29681494-A-G. GRCh37 (hg19) VCF-style: chr22-30077483-A-G.
Other names: c.1630A>G, p.Thr544Ala (NM_016418.5, NM_181825.3, NM_181832.3); c.1504A>G, p.Thr502Ala (NM_181828.3); c.1507A>G, p.Thr503Ala (NM_181829.3); c.1381A>G, p.Thr461Ala (NM_181830.3, NM_181831.3); c.448-13258A>G (NM_181833.3); c.1630A>G (NM_000268.3); short protein forms T461A, T503A, T502A, T544A.
Identifiers: ClinVar variation 1047740 (VCV001047740.12), dbSNP rs762953921, ClinGen allele CA032408.